The following is an entry in ClinVar:

ClinVar aggregate classification (germline): Pathogenic (1 of 4 stars; one submission).

Conditions:
AVPR2-related disorder. Also called: AVPR2-related condition.

Submission:

PreventionGenetics, part of Exact Sciences
Classification: Pathogenic for AVPR2-related condition. Last evaluated: 2026-07-28. Review status: criteria provided, single submitter. Criteria: ACMG Guidelines, 2015. Collection method: clinical testing. Allele origin: germline.
Comment: The AVPR2 c.692delA variant is predicted to result in a frameshift and premature protein termination (p.Glu231Glyfs*40). This variant has been reported in the hemizygous state in an individual with nephrogenic diabetes insipidus (described as frameshift after Arg230, Pan et al. 1992. PubMed ID: 1303257). This variant has not been reported in a large population database (gnomAD), indicating this variant is rare. Frameshift variants in AVPR2 are expected to be pathogenic. This variant is interpreted as pathogenic.

NM_000054.7(AVPR2):c.692del (p.Glu231fs)

Gene: AVPR2 (arginine vasopressin receptor 2; plus strand). Cytogenetic location: Xq28.
Variant type: Deletion.
Coding change: c.692del on transcript NM_000054.7 (MANE Select); coding-DNA position 692, one base deleted (A; older notation c.692delA).
Protein change: p.Glu231fs; shifts the reading frame from glutamic acid 231.
Molecular consequence: frameshift variant. On other transcripts: non-coding transcript variant (1).
Genome position (GRCh38, 1-based): chrX:153,906,198, A deleted. VCF-style (leftmost placement, unchanged base first): chrX-153906197-GA-G. GRCh37 (hg19) VCF-style: chrX-153171651-GA-G.
Other names: c.692del, p.Glu231fs (NM_001146151.3); short protein forms E231fs.
Identifiers: ClinVar variation 4993804 (VCV004993804.1).